The following is an entry in ClinVar:

ClinVar aggregate classification (germline): Uncertain significance. Review status: criteria provided, multiple submitters, no conflicts (2 of 4 stars). 2 submissions from 2 submitters: Uncertain significance (2). Last evaluated 2025-06-13.

Conditions:
Hereditary cancer-predisposing syndrome. Also called: Hereditary Cancer Syndrome; Neoplastic Syndromes, Hereditary; Hereditary neoplastic syndrome; Tumor predisposition. Identifiers: Orphanet 140162, MedGen C0027672, MeSH D009386, MONDO:0015356.
Cardiovascular phenotype. Identifiers: MedGen CN230736.
Neurofibromatosis, type 1 (NF1). Also called: Peripheral type neurofibromatosis; Neurofibromatosis, type I; NEUROFIBROMATOSIS, TYPE I, SOMATIC; VON RECKLINGHAUSEN DISEASE. Identifiers: Orphanet 636, MedGen C0027831, MONDO:0018975, OMIM 162200. Disease mechanism: loss of function.

Allele frequency attached by ClinVar (database versions not stated): gnomAD exomes below 0.00001.
gnomAD v4.1: 4 of 1,613,346 alleles (0.00025%); highest among the groups gnomAD compares: Non-Finnish European, 0.00034%; no homozygotes.

Submissions (2):

Ambry Genetics
Classification: Uncertain significance for Cardiovascular phenotype; Hereditary cancer-predisposing syndrome. Last evaluated: 2025-06-13. Review status: criteria provided, single submitter. Criteria: Ambry Variant Classification Scheme 2023. Collection method: clinical testing. Allele origin: germline.
Comment: The p.L1029F variant (also known as c.3085C>T), located in coding exon 23 of the NF1 gene, results from a C to T substitution at nucleotide position 3085. The leucine at codon 1029 is replaced by phenylalanine, an amino acid with highly similar properties. This amino acid position is highly conserved in available vertebrate species. In addition, the in silico prediction for this alteration is inconclusive. Based on the available evidence, the clinical significance of this variant remains unclear.

Labcorp Genetics (formerly Invitae), Labcorp
Classification: Uncertain significance for Neurofibromatosis, type 1. Last evaluated: 2024-06-18. Review status: criteria provided, single submitter. Criteria: Invitae Variant Classification Sherloc (09022015). Collection method: clinical testing. Allele origin: germline.
Comment: This sequence change replaces leucine, which is neutral and non-polar, with phenylalanine, which is neutral and non-polar, at codon 1029 of the NF1 protein (p.Leu1029Phe). This variant is not present in population databases (gnomAD no frequency). This variant has not been reported in the literature in individuals affected with NF1-related conditions. ClinVar contains an entry for this variant (Variation ID: 822835). Advanced modeling of protein sequence and biophysical properties (such as structural, functional, and spatial information, amino acid conservation, physicochemical variation, residue mobility, and thermodynamic stability) performed at Invitae indicates that this missense variant is expected to disrupt NF1 protein function with a positive predictive value of 95%. In summary, the available evidence is currently insufficient to determine the role of this variant in disease. Therefore, it has been classified as a Variant of Uncertain Significance.

NM_001042492.3(NF1):c.3085C>T (p.Leu1029Phe)

Gene: NF1 (neurofibromin 1; plus strand). Cytogenetic location: 17q11.2.
Variant type: single nucleotide variant.
Coding change: c.3085C>T on transcript NM_001042492.3 (MANE Select); coding-DNA position 3085, C replaced by T.
Protein change: p.Leu1029Phe; replaces leucine 1029 with phenylalanine.
Molecular consequence: missense variant.
Genome position (GRCh38, 1-based): chr17:31,230,354, C>T. VCF-style: chr17-31230354-C-T. GRCh37 (hg19) VCF-style: chr17-29557372-C-T.
Other names: c.3085C>T, p.Leu1029Phe (NM_000267.4); short protein forms L1029F.
Identifiers: ClinVar variation 822835 (VCV000822835.7), dbSNP rs1597716976, ClinGen allele CA398987558.